The following is an entry in ClinVar:

ClinVar aggregate classification (germline): Uncertain significance (1 of 4 stars; one submission).

Conditions:
Arrhythmogenic right ventricular cardiomyopathy (ARVD). Also called: Arrhythmogenic right ventricular dysplasia; Cardiomyopathy, ARVC; Arrhythmogenic cardiomyopathy; Arrhythmogenic Right Ventricular Cardiomyopathy (ARVC). Identifiers: Orphanet 247, MedGen C0349788, MeSH D019571, MONDO:0016587. Disease mechanism: loss of function. Inheritance: Various modes of inheritance.

Allele frequency attached by ClinVar (database versions not stated): TOPMed below 0.00001.

Submission:

All of Us Research Program, National Institutes of Health
Classification: Uncertain significance for Arrhythmogenic right ventricular cardiomyopathy. Last evaluated: 2023-04-03. Review status: criteria provided, single submitter. Criteria: ACMG Guidelines, 2015. Collection method: clinical testing. Allele origin: germline. Inheritance: Autosomal dominant inheritance. Observed: 1 variant allele, 1 heterozygote.
Comment: This variant deletes 1 nucleotide in exon 1 of the DSG2 gene, creating a frameshift and premature translation stop signal. This variant is expected to result in an absent or non-functional protein product. To our knowledge, this variant has not been reported in individuals affected with cardiovascular disorders in the literature. This variant has not been identified in the general population by the Genome Aggregation Database (gnomAD). Although there is a suspicion for a pathogenic role, clinical significance of loss-of-function DSG2 variants in autosomal dominant arrhythmogenic cardiomyopathy is not yet clearly established. The available evidence is insufficient to determine the role of this variant in disease conclusively. Therefore, this variant is classified as a Variant of Uncertain Significance.

This study involves interpretation of variants in research participants for the purpose of population health screening. Participant phenotype was not available at the time of variant classification. Additional details can be found in publication PMID: 35346344, PMCID: PMC8962531

NM_001943.5(DSG2):c.35del (p.Leu12fs)

Genes: DSG2 (desmoglein 2; plus strand), LOC130062340 (ATAC-STARR-seq lymphoblastoid silent region 9384; plus strand). Cytogenetic location: 18q12.1.
Variant type: Deletion.
Coding change: c.35del on transcript NM_001943.5 (MANE Select); coding-DNA position 35, one base deleted (T; older notation c.35delT).
Protein change: p.Leu12fs; shifts the reading frame from leucine 12.
Molecular consequence: frameshift variant.
Genome position (GRCh38, 1-based): chr18:31,498,286, T deleted. VCF-style (leftmost placement, unchanged base first): chr18-31498285-CT-C. GRCh37 (hg19) VCF-style: chr18-29078248-CT-C.
Other names: short protein forms L12fs.
Identifiers: ClinVar variation 3070070 (VCV003070070.1), dbSNP rs1370697595, ClinGen allele CA778427646.